The following is an entry in ClinVar:

ClinVar aggregate classification (germline): Uncertain significance (1 of 4 stars; one submission).

Conditions:
Hereditary spastic paraplegia 28. Also called: Spastic paraplegia 28, autosomal recessive. Identifiers: Orphanet 101008, MedGen C1836295, MONDO:0012256, OMIM 609340.

Submission:

Labcorp Genetics (formerly Invitae), Labcorp
Classification: Uncertain significance for Hereditary spastic paraplegia 28. Last evaluated: 2023-06-29. Review status: criteria provided, single submitter. Criteria: Invitae Variant Classification Sherloc (09022015). Collection method: clinical testing. Allele origin: germline.
Comment: Advanced modeling of protein sequence and biophysical properties (such as structural, functional, and spatial information, amino acid conservation, physicochemical variation, residue mobility, and thermodynamic stability) performed at Invitae indicates that this missense variant is expected to disrupt DDHD1 protein function. In summary, the available evidence is currently insufficient to determine the role of this variant in disease. Therefore, it has been classified as a Variant of Uncertain Significance. This sequence change replaces proline, which is neutral and non-polar, with arginine, which is basic and polar, at codon 667 of the DDHD1 protein (p.Pro667Arg). ClinVar contains an entry for this variant (Variation ID: 2097297). This variant has not been reported in the literature in individuals affected with DDHD1-related conditions. This variant is not present in population databases (gnomAD no frequency).

NM_001160148.2(DDHD1):c.1979C>G (p.Pro660Arg)

Gene: DDHD1 (DDHD domain containing 1; minus strand). Cytogenetic location: 14q22.1.
Variant type: single nucleotide variant.
Coding change: c.1979C>G on transcript NM_001160148.2 (MANE Select); coding-DNA position 1979, C replaced by G.
Protein change: p.Pro660Arg; replaces proline 660 with arginine.
Molecular consequence: missense variant.
Genome position (GRCh38, 1-based): chr14:53,058,490, G>C on the plus strand (C>G on the coding strand, the complement: DDHD1 is on the minus strand). VCF-style: chr14-53058490-G-C. GRCh37 (hg19) VCF-style: chr14-53525208-G-C.
Other names: c.2000C>G, p.Pro667Arg (NM_001160147.2); c.1979C>G, p.Pro660Arg (NM_030637.3); short protein forms P660R, P667R.
Identifiers: ClinVar variation 2097297 (VCV002097297.4), dbSNP rs2503066953, ClinGen allele CA389772286.